The following is an entry in ClinVar:

NM_006885.4(ZFHX3):c.10415C>A (p.Ala3472Glu)

Genes: ZFHX3 (zinc finger homeobox 3; minus strand), ZFHX3-AS1 (ZFHX3 antisense RNA 1; plus strand). Cytogenetic location: 16q22.2.
Variant type: single nucleotide variant.
Coding change: c.10415C>A on transcript NM_006885.4 (MANE Select); coding-DNA position 10415, C replaced by A.
Protein change: p.Ala3472Glu; replaces alanine 3472 with glutamic acid.
Molecular consequence: missense variant.
Genome position (GRCh38, 1-based): chr16:72,787,861, G>T on the plus strand (C>A on the coding strand, the complement: ZFHX3 is on the minus strand). VCF-style: chr16-72787861-G-T. GRCh37 (hg19) VCF-style: chr16-72821760-G-T.
Other names: c.7673C>A, p.Ala2558Glu (NM_001164766.2); c.10415C>A, p.Ala3472Glu (NM_001386735.1); short protein forms A2558E, A3472E.
Identifiers: ClinVar variation 4205081 (VCV004205081.3).

ClinVar aggregate classification (germline): Uncertain significance. Review status: criteria provided, multiple submitters, no conflicts (2 of 4 stars). 3 submissions from 3 submitters: Uncertain significance (3). Last evaluated 2026-08-06.

Conditions:
Spinocerebellar ataxia type 4. Identifiers: Orphanet 98765, MedGen C0752122, MONDO:0010847, OMIM 600223.

gnomAD v4.1: 20 of 1,613,968 alleles (0.0012%); highest among the groups gnomAD compares: African/African-American, 0.019%; no homozygotes.

Submissions (3):

OLLIN Analises Genomicas, OLLIN
Classification: Uncertain significance for Spinocerebellar ataxia type 4. Last evaluated: 2026-08-06. Review status: criteria provided, single submitter. Criteria: ACMG Guidelines 2015 PMID 25741868. Collection method: clinical testing. Allele origin: germline.
Comment: This missense variant, located in exon 10 (of 10), has been reported in ClinVar (accession VCV002537864.3) and in gnomAD with an allele frequency of 0.0012%. However, to our knowledge, it has not been reported in the scientific literature. In silico analysis is inconclusive regarding the impact of this variant. This gene has high tolerance to missense variation. According to the currently available evidence, this variant has been classified as uncertain significance (PM2_P, BP1).

Ambry Genetics
Classification: Uncertain significance. Last evaluated: 2025-08-30. Review status: criteria provided, single submitter. Criteria: Ambry Variant Classification Scheme 2023. Collection method: clinical testing. Allele origin: germline.

Labcorp Genetics (formerly Invitae), Labcorp
Classification: Uncertain significance. Last evaluated: 2025-02-15. Review status: criteria provided, single submitter. Criteria: Invitae Variant Classification Sherloc (09022015). Collection method: clinical testing. Allele origin: germline.
Comment: This sequence change replaces alanine, which is neutral and non-polar, with glutamic acid, which is acidic and polar, at codon 3472 of the ZFHX3 protein (p.Ala3472Glu). This variant is present in population databases (rs150891901, gnomAD 0.02%). This variant has not been reported in the literature in individuals affected with ZFHX3-related conditions. Experimental studies and prediction algorithms are not available or were not evaluated, and the functional significance of this variant is currently unknown. In summary, the available evidence is currently insufficient to determine the role of this variant in disease. Therefore, it has been classified as a Variant of Uncertain Significance.